The following is an entry in ClinVar:

NM_001165963.4(SCN1A):c.4876G>C (p.Glu1626Gln)

Genes: SCN1A (sodium voltage-gated channel alpha subunit 1; minus strand), LOC102724058 (uncharacterized LOC102724058; plus strand). Cytogenetic location: 2q24.3.
Variant type: single nucleotide variant.
Coding change: c.4876G>C on transcript NM_001165963.4 (MANE Select); coding-DNA position 4876, G replaced by C.
Protein change: p.Glu1626Gln; replaces glutamic acid 1626 with glutamine.
Molecular consequence: missense variant. On other transcripts: non-coding transcript variant (1).
Genome position (GRCh38, 1-based): chr2:165,992,399, C>G on the plus strand (G>C on the coding strand, the complement: SCN1A is on the minus strand). VCF-style: chr2-165992399-C-G. GRCh37 (hg19) VCF-style: chr2-166848909-C-G.
Other names: c.4792G>C, p.Glu1598Gln (NM_001165964.3, NM_001353957.2, NM_001353958.2); c.4876G>C, p.Glu1626Gln (NM_001202435.3, NM_001353948.2); c.4843G>C, p.Glu1615Gln (NM_001353949.2, NM_001353950.2, NM_001353951.2 and 2 more transcripts); c.4840G>C, p.Glu1614Gln (NM_001353954.2, NM_001353955.2); c.4789G>C, p.Glu1597Gln (NM_001353960.2); c.2434G>C, p.Glu812Gln (NM_001353961.2); short protein forms E1597Q, E1598Q, E1614Q, E1615Q, E1626Q, E812Q.
Identifiers: ClinVar variation 1709473 (VCV001709473.2), dbSNP rs1553520505, ClinGen allele CA349070626.

ClinVar aggregate classification (germline): Uncertain significance (1 of 4 stars; one submission).

Conditions:
Severe myoclonic epilepsy in infancy (DRVT). Also called: Epileptic encephalopathy, early infantile, 6 (Dravet syndrome); Dravet syndrome; SEVERE MYOCLONIC EPILEPSY OF INFANCY; DEVELOPMENTAL AND EPILEPTIC ENCEPHALOPATHY 6A; Severe Myoclonic Epilepsy in Infancy (SMEI). Identifiers: Orphanet 33069, MedGen C0751122, MONDO:0100135, OMIM 607208.

Submission:

MGZ Medical Genetics Center
Classification: Uncertain significance for Severe myoclonic epilepsy in infancy. Last evaluated: 2022-06-01. Review status: criteria provided, single submitter. Criteria: ACMG Guidelines, 2015. Collection method: clinical testing. Allele origin: germline. Affected: yes. Observed: 1 variant allele.
Comment: ACMG criteria applied: PM1, PM2_SUP, PP3